The following is an entry in ClinVar:

NM_001386795.1(DTNA):c.2086_2088dup (p.Phe696_Leu697insPhe)

Gene: DTNA (dystrobrevin alpha; plus strand). Cytogenetic location: 18q12.1.
Variant type: Duplication.
Coding change: c.2086_2088dup on transcript NM_001386795.1 (MANE Select); coding-DNA positions 2086 to 2088, 3 bases duplicated (TTT; older notation c.2086_2088dupTTT).
Protein change: p.Phe696_Leu697insPhe.
Molecular consequence: inframe insertion.
Genome position (GRCh38, 1-based): chr18:34,879,643-34,879,645, TTT duplicated; duplicating any 3 consecutive bases within chr18:34,879,642-34,879,645 gives the same sequence; the c. name uses the placement nearest the transcript's 3' end. VCF-style (leftmost placement, unchanged base first): chr18-34879641-C-CTTT. GRCh37 (hg19) VCF-style: chr18-32459605-C-CTTT.
Other names: c.961_963dup, p.Phe321_Leu322insPhe (NM_001198944.1); c.1825_1827dup, p.Phe609_Leu610insPhe (NM_001386753.1, NM_001198938.2, NM_001198940.2 and 5 more transcripts); c.1132_1134dup, p.Phe378_Leu379insPhe (NM_001198942.1); c.1075_1077dup, p.Phe359_Leu360insPhe (NM_001198943.1); c.1915_1917dup, p.Phe639_Leu640insPhe (NM_001386754.1, NM_001386755.1, NM_001386756.1 and 3 more transcripts); c.1846_1848dup, p.Phe616_Leu617insPhe (NM_001198939.2); c.1912_1914dup, p.Phe638_Leu639insPhe (NM_001386760.1); c.1834_1836dup, p.Phe612_Leu613insPhe (NM_001386761.1, NM_032975.4); and 5 more.
Identifiers: ClinVar variation 3008120 (VCV003008120.3), dbSNP rs2096852777, ClinGen allele CA2295377404.

ClinVar aggregate classification (germline): Uncertain significance (1 of 4 stars; one submission).

Conditions:
Left ventricular noncompaction 1 (LVNC1). Also called: LEFT VENTRICULAR NONCOMPACTION 1 WITH OR WITHOUT CONGENITAL HEART DEFECTS. Identifiers: Orphanet 54260, MedGen C1858725, MONDO:0011403, OMIM 604169.

Submission:

Labcorp Genetics (formerly Invitae), Labcorp
Classification: Uncertain significance for Left ventricular noncompaction 1. Last evaluated: 2025-01-08. Review status: criteria provided, single submitter. Criteria: Invitae Variant Classification Sherloc (09022015). Collection method: clinical testing. Allele origin: germline.
Comment: This variant, c.2005_2007dup, results in the insertion of 1 amino acid(s) of the DTNA protein (p.Phe669dup), but otherwise preserves the integrity of the reading frame. This variant is not present in population databases (gnomAD no frequency). This variant has not been reported in the literature in individuals affected with DTNA-related conditions. ClinVar contains an entry for this variant (Variation ID: 3008120). Algorithms developed to predict the effect of sequence changes on RNA splicing suggest that this variant may create or strengthen a splice site. In summary, the available evidence is currently insufficient to determine the role of this variant in disease. Therefore, it has been classified as a Variant of Uncertain Significance.